The following is an entry in ClinVar:

NM_001261826.3(AP3D1):c.1382C>T (p.Ala461Val)

Gene: AP3D1 (adaptor related protein complex 3 subunit delta 1; minus strand). Cytogenetic location: 19p13.3.
Variant type: single nucleotide variant.
Coding change: c.1382C>T on transcript NM_001261826.3 (MANE Select); coding-DNA position 1382, C replaced by T.
Protein change: p.Ala461Val; replaces alanine 461 with valine.
Molecular consequence: missense variant.
Genome position (GRCh38, 1-based): chr19:2,120,961, G>A on the plus strand (C>T on the coding strand, the complement: AP3D1 is on the minus strand). VCF-style: chr19-2120961-G-A. GRCh37 (hg19) VCF-style: chr19-2120960-G-A.
Other names: c.1382C>T, p.Ala461Val (NM_001374799.1, NM_003938.8); short protein forms A461V.
Identifiers: ClinVar variation 2257300 (VCV002257300.3), dbSNP rs374029882, ClinGen allele CA9059332.

ClinVar aggregate classification (germline): Uncertain significance. Review status: criteria provided, multiple submitters, no conflicts (2 of 4 stars). 2 submissions from 2 submitters: Uncertain significance (2). Last evaluated 2025-10-04.

Conditions:
Inborn genetic diseases. Identifiers: MedGen C0950123, MeSH D030342.

Allele frequency attached by ClinVar (database versions not stated): gnomAD 0.00001; gnomAD exomes 0.00002; ExAC 0.00003; TOPMed 0.00004; ESP Exome Variant Server 0.00015.
gnomAD v4.1: 22 of 1,611,998 alleles (0.0014%); highest among the groups gnomAD compares: Middle Eastern, 0.033%; no homozygotes.

Submissions (2):

Labcorp Genetics (formerly Invitae), Labcorp
Classification: Uncertain significance. Last evaluated: 2025-10-04. Review status: criteria provided, single submitter. Criteria: Invitae Variant Classification Sherloc (09022015). Collection method: clinical testing. Allele origin: germline.
Comment: This sequence change replaces alanine, which is neutral and non-polar, with valine, which is neutral and non-polar, at codon 461 of the AP3D1 protein (p.Ala461Val). This variant is present in population databases (rs374029882, gnomAD 0.005%). This variant has not been reported in the literature in individuals affected with AP3D1-related conditions. ClinVar contains an entry for this variant (Variation ID: 2257300). An algorithm developed to predict the effect of missense changes on protein structure and function outputs the following: PolyPhen-2: "Benign". The valine amino acid residue is found in multiple mammalian species, which suggests that this missense change does not adversely affect protein function. In summary, the available evidence is currently insufficient to determine the role of this variant in disease. Therefore, it has been classified as a Variant of Uncertain Significance.

Ambry Genetics
Classification: Uncertain significance for Inborn genetic diseases. Last evaluated: 2022-11-17. Review status: criteria provided, single submitter. Criteria: Ambry Variant Classification Scheme 2023. Collection method: clinical testing. Allele origin: germline.